The following is an entry in ClinVar:

ClinVar aggregate classification (germline): Uncertain significance (1 of 4 stars; one submission).

Conditions:
Hereditary cancer-predisposing syndrome. Also called: Tumor predisposition; Neoplastic Syndromes, Hereditary; Hereditary neoplastic syndrome; Hereditary Cancer Syndrome. Identifiers: Orphanet 140162, MedGen C0027672, MeSH D009386, MONDO:0015356.

Submission:

Ambry Genetics
Classification: Uncertain significance for Hereditary cancer-predisposing syndrome. Last evaluated: 2025-09-08. Review status: criteria provided, single submitter. Criteria: Ambry Variant Classification Scheme 2023. Collection method: clinical testing. Allele origin: germline.
Comment: The c.1173+3A>G intronic variant results from an A to G substitution 3 nucleotides after coding exon 7 in the MSH3 gene. This nucleotide position is well conserved in available vertebrate species. In silico splice site analysis for this alteration is inconclusive. Based on the available evidence, the clinical significance of this variant remains unclear.

NM_002439.5(MSH3):c.1173+3A>G

Gene: MSH3 (mutS homolog 3; plus strand). Cytogenetic location: 5q14.1.
Variant type: single nucleotide variant.
Coding change: c.1173+3A>G on transcript NM_002439.5 (MANE Select); 3 bases into the intron after coding-DNA position 1173, A replaced by G.
Molecular consequence: intron variant.
Genome position (GRCh38, 1-based): chr5:80,675,131, A>G. VCF-style: chr5-80675131-A-G. GRCh37 (hg19) VCF-style: chr5-79970950-A-G.
Identifiers: ClinVar variation 4111110 (VCV004111110.1).